The following is an entry in ClinVar:

NM_006648.4(WNK2):c.6164G>C (p.Ser2055Thr)

Gene: WNK2 (WNK lysine deficient protein kinase 2; plus strand). Cytogenetic location: 9q22.31.
Variant type: single nucleotide variant.
Coding change: c.6164G>C on transcript NM_006648.4 (MANE Select); coding-DNA position 6164, G replaced by C.
Protein change: p.Ser2055Thr; replaces serine 2055 with threonine.
Molecular consequence: missense variant.
Genome position (GRCh38, 1-based): chr9:93,300,099, G>C. VCF-style: chr9-93300099-G-C. GRCh37 (hg19) VCF-style: chr9-96062381-G-C.
Other names: c.6275G>C, p.Ser2092Thr (NM_001282394.3); short protein forms S2055T, S2092T.
Identifiers: ClinVar variation 3982016 (VCV003982016.1).

ClinVar aggregate classification (germline): Uncertain significance (1 of 4 stars; one submission).

Submission:

Ambry Genetics
Classification: Uncertain significance. Last evaluated: 2025-05-08. Review status: criteria provided, single submitter. Criteria: Ambry Variant Classification Scheme 2023. Collection method: clinical testing. Allele origin: germline.
Comment: The p.S2055T variant (also known as c.6164G>C), located in coding exon 25 of the WNK2 gene, results from a G to C substitution at nucleotide position 6164. The serine at codon 2055 is replaced by threonine, an amino acid with similar properties. This amino acid position is conserved. In addition, the in silico prediction for this alteration is inconclusive. Based on the available evidence, the clinical significance of this variant remains unclear.